The following is an entry in ClinVar:

NM_004304.5(ALK):c.3350C>A (p.Thr1117Asn)

Gene: ALK (ALK receptor tyrosine kinase; minus strand). Cytogenetic location: 2p23.2.
Variant type: single nucleotide variant.
Coding change: c.3350C>A on transcript NM_004304.5 (MANE Select); coding-DNA position 3350, C replaced by A.
Protein change: p.Thr1117Asn; replaces threonine 1117 with asparagine.
Molecular consequence: missense variant.
Genome position (GRCh38, 1-based): chr2:29,223,351, G>T on the plus strand (C>A on the coding strand, the complement: ALK is on the minus strand). VCF-style: chr2-29223351-G-T. GRCh37 (hg19) VCF-style: chr2-29446217-G-T.
Other names: c.146C>A, p.Thr49Asn (NM_001353765.2); short protein forms T49N, T1117N.
Identifiers: ClinVar variation 940453 (VCV000940453.9), dbSNP rs1669859051, ClinGen allele CA346464619.

ClinVar aggregate classification (germline): Uncertain significance (1 of 4 stars; one submission).

Conditions:
Neuroblastoma, susceptibility to, 3. Also called: ALK-Related Neuroblastic Tumor Susceptibility. Identifiers: Orphanet 635, MedGen C2751681, MONDO:0013083, OMIM 613014.

Allele frequency attached by ClinVar (database versions not stated): gnomAD exomes below 0.00001.
gnomAD v4.1: 4 of 1,614,122 alleles (0.00025%); highest among the groups gnomAD compares: Non-Finnish European, 0.00034%; no homozygotes.

Submission:

Labcorp Genetics (formerly Invitae), Labcorp
Classification: Uncertain significance for Neuroblastoma, susceptibility to, 3. Last evaluated: 2019-06-18. Review status: criteria provided, single submitter. Criteria: Invitae Variant Classification Sherloc (09022015). Collection method: clinical testing. Allele origin: germline.
Comment: In summary, the available evidence is currently insufficient to determine the role of this variant in disease. Therefore, it has been classified as a Variant of Uncertain Significance. Algorithms developed to predict the effect of missense changes on protein structure and function are either unavailable or do not agree on the potential impact of this missense change (SIFT: "Deleterious"; PolyPhen-2: "Benign"; Align-GVGD: "Class C0"). This variant has not been reported in the literature in individuals with ALK-related conditions. This variant is not present in population databases (ExAC no frequency). This sequence change replaces threonine with asparagine at codon 1117 of the ALK protein (p.Thr1117Asn). The threonine residue is moderately conserved and there is a small physicochemical difference between threonine and asparagine.